The following is an entry in ClinVar:

ClinVar aggregate classification (germline): Likely pathogenic (1 of 4 stars; one submission).

Conditions:
Hypohidrotic X-linked ectodermal dysplasia (XHED). Also called: ECTODERMAL DYSPLASIA, HYPOHIDROTIC, 1; CST SYNDROME; Anhidrotic ectodermal dysplasia X-linked; Christ Siemens Touraine syndrome; ECTODERMAL DYSPLASIA 1, HYPOHIDROTIC, X-LINKED; ECTODERMAL DYSPLASIA 1, HYPOHIDROTIC/HAIR/TOOTH TYPE, X-LINKED. Identifiers: Orphanet 181, Orphanet 238468, MedGen C0162359, MONDO:0010585, OMIM 305100.

Submission:

Labcorp Genetics (formerly Invitae), Labcorp
Classification: Likely pathogenic for Hypohidrotic X-linked ectodermal dysplasia. Last evaluated: 2020-01-19. Review status: criteria provided, single submitter. Criteria: Invitae Variant Classification Sherloc (09022015). Collection method: clinical testing. Allele origin: germline.
Comment: This sequence change replaces proline with leucine at codon 203 of the EDA protein (p.Pro203Leu). The proline residue is highly conserved and there is a moderate physicochemical difference between proline and leucine. This variant is not present in population databases (ExAC no frequency). This variant has been observed in individuals with hypohidrotic ectodermal dysplasia (PMID: 27305980). It has also been observed to segregate with disease in a family (Invitae). In summary, the currently available evidence indicates that the variant is pathogenic, but additional data are needed to prove that conclusively. Therefore, this variant has been classified as Likely Pathogenic. Algorithms developed to predict the effect of missense changes on protein structure and function (SIFT, PolyPhen-2, Align-GVGD) all suggest that this variant is likely to be disruptive, but these predictions have not been confirmed by published functional studies and their clinical significance is uncertain.

Literature cited by the submitters: PubMed 27305980.

NM_001399.5(EDA):c.608C>T (p.Pro203Leu)

Gene: EDA (ectodysplasin A; plus strand). Cytogenetic location: Xq13.1.
Variant type: single nucleotide variant.
Coding change: c.608C>T on transcript NM_001399.5 (MANE Select); coding-DNA position 608, C replaced by T.
Protein change: p.Pro203Leu; replaces proline 203 with leucine.
Molecular consequence: missense variant.
Genome position (GRCh38, 1-based): chrX:70,027,938, C>T. VCF-style: chrX-70027938-C-T. GRCh37 (hg19) VCF-style: chrX-69247788-C-T.
Other names: c.608C>T, p.Pro203Leu (NM_001005609.2, NM_001005612.3); short protein forms P203L.
Identifiers: ClinVar variation 849399 (VCV000849399.9), dbSNP rs2020138975, ClinGen allele CA413448340.
Genomic context (GRCh38, chrX:70,027,938, plus strand): 5'-GACCCAATGGCCCTCCAGGACCCCCAGGACCTCCAGGACCCCAGGGACCCCCAGGAATTC[C>T]AGGGATTCCTGGAATTCCAGGAACAACTGTTATGGGACCACCTGGTCCTCCAGGTCCTCC-3'
Protein context (NP_001390.1, residues 193-213): PPGPQGPPGI[Pro203Leu]GIPGIPGTTV